The following is an entry in ClinVar:

NM_017780.4(CHD7):c.3787G>A (p.Glu1263Lys)

Gene: CHD7 (chromodomain helicase DNA binding protein 7; plus strand). Cytogenetic location: 8q12.2.
Variant type: single nucleotide variant.
Coding change: c.3787G>A on transcript NM_017780.4 (MANE Select); coding-DNA position 3787, G replaced by A.
Protein change: p.Glu1263Lys; replaces glutamic acid 1263 with lysine.
Molecular consequence: missense variant. On other transcripts: intron variant (1).
Genome position (GRCh38, 1-based): chr8:60,836,081, G>A. VCF-style: chr8-60836081-G-A. GRCh37 (hg19) VCF-style: chr8-61748640-G-A.
Other names: c.1717-26148G>A (NM_001316690.1); short protein forms E1263K.
Identifiers: ClinVar variation 4539833 (VCV004539833.1).

ClinVar aggregate classification (germline): Uncertain significance (1 of 4 stars; one submission).

Submission:

GeneDx
Classification: Uncertain significance. Last evaluated: 2025-06-27. Review status: criteria provided, single submitter. Criteria: GeneDx Variant Classification Process June 2021. Collection method: clinical testing. Allele origin: germline. Affected: yes.
Comment: Not observed at significant frequency in large population cohorts (gnomAD); In silico analysis supports that this missense variant has a deleterious effect on protein structure/function; Has not been previously published as pathogenic or benign to our knowledge